The following is an entry in ClinVar:

ClinVar aggregate classification (germline): Uncertain significance (1 of 4 stars; one submission).

Submission:

GeneDx
Classification: Uncertain significance. Last evaluated: 2024-12-08. Review status: criteria provided, single submitter. Criteria: GeneDx Variant Classification Process June 2021. Collection method: clinical testing. Allele origin: germline. Affected: yes.
Comment: Not observed at significant frequency in large population cohorts (gnomAD); In silico analysis supports that this missense variant has a deleterious effect on protein structure/function; Has not been previously published as pathogenic or benign to our knowledge; This variant is associated with the following publications: (PMID: 22571692)

NM_003119.4(SPG7):c.1834A>G (p.Arg612Gly)

Gene: SPG7 (SPG7 matrix AAA peptidase subunit, paraplegin; plus strand). Cytogenetic location: 16q24.3.
Variant type: single nucleotide variant.
Coding change: c.1834A>G on transcript NM_003119.4 (MANE Select); coding-DNA position 1834, A replaced by G.
Protein change: p.Arg612Gly; replaces arginine 612 with glycine.
Molecular consequence: missense variant.
Genome position (GRCh38, 1-based): chr16:89,553,033, A>G. VCF-style: chr16-89553033-A-G. GRCh37 (hg19) VCF-style: chr16-89619441-A-G.
Other names: c.1834A>G, p.Arg612Gly (NM_001363850.1); short protein forms R612G.
Identifiers: ClinVar variation 3901463 (VCV003901463.1).